The following is an entry in ClinVar:

NM_018238.4(AGK):c.971C>T (p.Pro324Leu)

Gene: AGK (acylglycerol kinase; plus strand). Cytogenetic location: 7q34.
Variant type: single nucleotide variant.
Coding change: c.971C>T on transcript NM_018238.4 (MANE Select); coding-DNA position 971, C replaced by T.
Protein change: p.Pro324Leu; replaces proline 324 with leucine.
Molecular consequence: missense variant.
Genome position (GRCh38, 1-based): chr7:141,641,904, C>T. VCF-style: chr7-141641904-C-T. GRCh37 (hg19) VCF-style: chr7-141341704-C-T.
Other names: c.971C>T, p.Pro324Leu (NM_001364948.3); short protein forms P324L.
Identifiers: ClinVar variation 2045930 (VCV002045930.2), dbSNP rs553909597, ClinGen allele CA168061891.
Genomic context (GRCh38, chr7:141,641,904, plus strand): 5'-AAGATGTGCAGCTGTCCACCATTGAACTGTCCATCACAACACGGAATAATCAGCTTGACC[C>T]GACAGTAAGTGTGCTTTTTTATTAGAAAAGCATTTGGTACCTAAGAAAAGTGACAATAGC-3'
Protein context (NP_060708.1, residues 314-334): SITTRNNQLD[Pro324Leu]TSKEDFLNIC

ClinVar aggregate classification (germline): Conflicting classifications of pathogenicity. Review status: criteria provided, conflicting classifications (1 of 4 stars). 2 submissions from 2 submitters: Uncertain significance (1); Likely benign (1). Last evaluated 2022-07-03.

Conditions:
Cataract 38. Also called: Cataract, autosomal recessive congenital 5; Cataract 38, autosomal recessive. Identifiers: Orphanet 91492, MedGen C3553494, MONDO:0013859, OMIM 614691.
Sengers syndrome. Also called: MITOCHONDRIAL DNA DEPLETION SYNDROME 10 (CARDIOMYOPATHIC TYPE); Cardiomyopathy and cataract. Identifiers: Orphanet 1369, MedGen C1859317, MONDO:0008922, OMIM 212350.
Inborn genetic diseases. Identifiers: MedGen C0950123, MeSH D030342.

Allele frequency attached by ClinVar (database versions not stated): gnomAD 0.00002; gnomAD exomes 0.00002.
gnomAD v4.1: 24 of 1,574,722 alleles (0.0015%); highest among the groups gnomAD compares: Middle Eastern, 0.05%; no homozygotes.

Submissions (2):

Labcorp Genetics (formerly Invitae), Labcorp
Classification: Uncertain significance for Sengers syndrome; Cataract 38. Last evaluated: 2022-07-03. Review status: criteria provided, single submitter. Criteria: Invitae Variant Classification Sherloc (09022015). Collection method: clinical testing. Allele origin: germline.
Comment: This sequence change replaces proline, which is neutral and non-polar, with leucine, which is neutral and non-polar, at codon 324 of the AGK protein (p.Pro324Leu). The frequency data for this variant in the population databases is considered unreliable, as metrics indicate poor data quality at this position in the gnomAD database. This variant has not been reported in the literature in individuals affected with AGK-related conditions. Algorithms developed to predict the effect of missense changes on protein structure and function output the following: SIFT: "Tolerated"; PolyPhen-2: "Benign"; Align-GVGD: "Class C0". The leucine amino acid residue is found in multiple mammalian species, which suggests that this missense change does not adversely affect protein function. In summary, the available evidence is currently insufficient to determine the role of this variant in disease. Therefore, it has been classified as a Variant of Uncertain Significance.

Ambry Genetics
Classification: Likely benign for Inborn genetic diseases. Last evaluated: 2021-07-13. Review status: criteria provided, single submitter. Criteria: Ambry Variant Classification Scheme 2023. Collection method: clinical testing. Allele origin: germline.